The following is an entry in ClinVar:

NM_006766.5(KAT6A):c.5884G>A (p.Ala1962Thr)

Gene: KAT6A (lysine acetyltransferase 6A; minus strand). Cytogenetic location: 8p11.21.
Variant type: single nucleotide variant.
Coding change: c.5884G>A on transcript NM_006766.5 (MANE Select); coding-DNA position 5884, G replaced by A.
Protein change: p.Ala1962Thr; replaces alanine 1962 with threonine.
Molecular consequence: missense variant.
Genome position (GRCh38, 1-based): chr8:41,932,336, C>T on the plus strand (G>A on the coding strand, the complement: KAT6A is on the minus strand). VCF-style: chr8-41932336-C-T. GRCh37 (hg19) VCF-style: chr8-41789854-C-T.
Other names: c.5884G>A (NM_006766.4); short protein forms A1962T.
Identifiers: ClinVar variation 1940693 (VCV001940693.7), dbSNP rs2486750312, ClinGen allele CA371060105.

ClinVar aggregate classification (germline): Conflicting classifications of pathogenicity. Review status: criteria provided, conflicting classifications (1 of 4 stars). 3 submissions from 3 submitters: Uncertain significance (2); Likely benign (1). Last evaluated 2024-09-20.

Conditions:
KAT6A-related disorder. Also called: KAT6A-related condition.
Autosomal dominant intellectual disability-craniofacial anomalies-cardiac defects syndrome (ARTHS). Also called: Arboleda-Tham syndrome; Mental retardation, autosomal dominant 32; KAT6A syndrome. Identifiers: Orphanet 457193, MedGen C4225396, MONDO:0014558, OMIM 616268.

Submissions (3):

3billion
Classification: Likely benign for Autosomal dominant intellectual disability-craniofacial anomalies-cardiac defects syndrome. Last evaluated: 2024-09-20. Review status: criteria provided, single submitter. Criteria: ACMG Guidelines, 2015. Collection method: clinical testing. Allele origin: germline. Affected: no.
Comment: The variant was identified in at least one patient who was diagnosed with a different variant in another gene and showed no symptoms related to the gene containing the variant in question.

PreventionGenetics, part of Exact Sciences
Classification: Uncertain significance for KAT6A-related condition. Last evaluated: 2023-06-22. Review status: criteria provided, single submitter. Criteria: ACMG Guidelines, 2015. Collection method: clinical testing. Allele origin: germline.
Comment: The KAT6A c.5884G>A variant is predicted to result in the amino acid substitution p.Ala1962Thr. To our knowledge, this variant has not been reported in the literature or in a large population database, indicating this variant is rare. At this time, the clinical significance of this variant is uncertain due to the absence of conclusive functional and genetic evidence.

Labcorp Genetics (formerly Invitae), Labcorp
Classification: Uncertain significance. Last evaluated: 2022-03-12. Review status: criteria provided, single submitter. Criteria: Invitae Variant Classification Sherloc (09022015). Collection method: clinical testing. Allele origin: germline.
Comment: In summary, the available evidence is currently insufficient to determine the role of this variant in disease. Therefore, it has been classified as a Variant of Uncertain Significance. Algorithms developed to predict the effect of missense changes on protein structure and function are either unavailable or do not agree on the potential impact of this missense change (SIFT: "Tolerated"; PolyPhen-2: "Not Available"; Align-GVGD: "Class C0"). This variant has not been reported in the literature in individuals affected with KAT6A-related conditions. This variant is not present in population databases (gnomAD no frequency). This sequence change replaces alanine, which is neutral and non-polar, with threonine, which is neutral and polar, at codon 1962 of the KAT6A protein (p.Ala1962Thr).